The following is an entry in ClinVar:

ClinVar aggregate classification (germline): Uncertain significance (1 of 4 stars; one submission).

gnomAD v4.1: 1 of 1,612,778 alleles (0.000062%); highest among the groups gnomAD compares: South Asian, 0.0011%; no homozygotes.

Submission:

GeneDx
Classification: Uncertain significance. Last evaluated: 2022-03-12. Review status: criteria provided, single submitter. Criteria: GeneDx Variant Classification Process June 2021. Collection method: clinical testing. Allele origin: germline. Affected: yes.
Comment: Not observed at significant frequency in large population cohorts (gnomAD); In silico analysis supports that this missense variant has a deleterious effect on protein structure/function; Has not been previously published as pathogenic or benign to our knowledge

NM_002539.3(ODC1):c.719G>A (p.Gly240Glu)

Gene: ODC1 (ornithine decarboxylase 1; minus strand). Cytogenetic location: 2p25.1.
Variant type: single nucleotide variant.
Coding change: c.719G>A on transcript NM_002539.3 (MANE Select); coding-DNA position 719, G replaced by A.
Protein change: p.Gly240Glu; replaces glycine 240 with glutamic acid.
Molecular consequence: missense variant.
Genome position (GRCh38, 1-based): chr2:10,443,261, C>T on the plus strand (G>A on the coding strand, the complement: ODC1 is on the minus strand). VCF-style: chr2-10443261-C-T. GRCh37 (hg19) VCF-style: chr2-10583387-C-T.
Other names: c.332G>A, p.Gly111Glu (NM_001287188.2); c.719G>A, p.Gly240Glu (NM_001287189.2, NM_001287190.2); short protein forms G111E, G240E.
Identifiers: ClinVar variation 1704776 (VCV001704776.2), dbSNP rs2528572088, ClinGen allele CA345814724.
Genomic context (GRCh38, chr2:10,443,261, plus strand): 5'-CTGAGTATTACAGTTTTGTTCTAAATTACCTCTTCAAATTTAAGTTTCACATCCTCAGAT[C>T]CAGGAAAGCCACCGCCAATATCAAGCAGATACATGCTGAAACCAACCTCAGCCTAGAATC-3'
Protein context (NP_002530.1, residues 230-250): YLLDIGGGFP[Gly240Glu]SEDVKLKFEE